The following is an entry in ClinVar:

ClinVar aggregate classification (germline): Uncertain significance (1 of 4 stars; one submission).

gnomAD v4.1: 1 of 1,134,517 alleles (0.000088%); highest among the groups gnomAD compares: Non-Finnish European, 0.00012%; no homozygotes.

Submission:

GeneDx
Classification: Uncertain significance. Last evaluated: 2025-03-27. Review status: criteria provided, single submitter. Criteria: GeneDx Variant Classification Process June 2021. Collection method: clinical testing. Allele origin: germline. Affected: yes.
Comment: Not observed at significant frequency in large population cohorts (gnomAD); In silico analysis supports that this missense variant has a deleterious effect on protein structure/function; This variant is associated with the following publications: (PMID: 26053207, 24845642)

NM_000273.3(GPR143):c.797T>C (p.Leu266Pro)

Gene: GPR143 (G protein-coupled receptor 143; minus strand). Cytogenetic location: Xp22.2.
Variant type: single nucleotide variant.
Coding change: c.797T>C on transcript NM_000273.3 (MANE Select); coding-DNA position 797, T replaced by C.
Protein change: p.Leu266Pro; replaces leucine 266 with proline.
Molecular consequence: missense variant.
Genome position (GRCh38, 1-based): chrX:9,741,426, A>G on the plus strand (T>C on the coding strand, the complement: GPR143 is on the minus strand). VCF-style: chrX-9741426-A-G. GRCh37 (hg19) VCF-style: chrX-9709466-A-G.
Other names: c.797T>C, p.Leu266Pro (NM_001440781.1); short protein forms L266P.
Identifiers: ClinVar variation 4278671 (VCV004278671.1).